The following is an entry in ClinVar:

NM_004304.5(ALK):c.4375G>T (p.Ala1459Ser)

Gene: ALK (ALK receptor tyrosine kinase; minus strand). Cytogenetic location: 2p23.2.
Variant type: single nucleotide variant.
Coding change: c.4375G>T on transcript NM_004304.5 (MANE Select); coding-DNA position 4375, G replaced by T.
Protein change: p.Ala1459Ser; replaces alanine 1459 with serine.
Molecular consequence: missense variant.
Genome position (GRCh38, 1-based): chr2:29,193,712, C>A on the plus strand (G>T on the coding strand, the complement: ALK is on the minus strand). VCF-style: chr2-29193712-C-A. GRCh37 (hg19) VCF-style: chr2-29416578-C-A.
Other names: c.1171G>T, p.Ala391Ser (NM_001353765.2); short protein forms A1459S, A391S.
Identifiers: ClinVar variation 335689 (VCV000335689.18), dbSNP rs372612147, ClinGen allele CA1593586.

ClinVar aggregate classification (germline): Conflicting classifications of pathogenicity. Review status: criteria provided, conflicting classifications (1 of 4 stars). 6 submissions from 6 submitters: Uncertain significance (2); Benign (1); Likely benign (3). Last evaluated 2026-01-27.

Conditions:
Hereditary cancer-predisposing syndrome. Also called: Neoplastic Syndromes, Hereditary; Tumor predisposition; Hereditary Cancer Syndrome; Hereditary neoplastic syndrome. Identifiers: Orphanet 140162, MedGen C0027672, MeSH D009386, MONDO:0015356.
Neuroblastoma, susceptibility to, 3. Also called: ALK-Related Neuroblastic Tumor Susceptibility. Identifiers: Orphanet 635, MedGen C2751681, MONDO:0013083, OMIM 613014.

Allele frequency attached by ClinVar (database versions not stated): gnomAD exomes 0.00002 and 0.00005; ExAC 0.00008; ESP Exome Variant Server 0.00015; gnomAD 0.00025 and 0.00026; TOPMed 0.00028; 1000 Genomes Project 0.00060; 1000 Genomes Project 30x 0.00062.
gnomAD v4.1: 61 of 1,608,938 alleles (0.0038%); highest among the groups gnomAD compares: African/African-American, 0.071%; no homozygotes.

Submissions (6):

Labcorp Genetics (formerly Invitae), Labcorp
Classification: Uncertain significance for Neuroblastoma, susceptibility to, 3. Last evaluated: 2026-01-27. Review status: criteria provided, single submitter. Criteria: Invitae Variant Classification Sherloc (09022015). Collection method: clinical testing. Allele origin: germline.
Comment: This sequence change replaces alanine, which is neutral and non-polar, with serine, which is neutral and polar, at codon 1459 of the ALK protein (p.Ala1459Ser). This variant is present in population databases (rs372612147, gnomAD 0.07%), and has an allele count higher than expected for a pathogenic variant. This variant has not been reported in the literature in individuals affected with ALK-related conditions. ClinVar contains an entry for this variant (Variation ID: 335689). An algorithm developed to predict the effect of missense changes on protein structure and function (PolyPhen-2) suggests that this variant is likely to be tolerated. In summary, the available evidence is currently insufficient to determine the role of this variant in disease. Therefore, it has been classified as a Variant of Uncertain Significance.

GeneDx
Classification: Uncertain significance. Last evaluated: 2024-10-14. Review status: criteria provided, single submitter. Criteria: GeneDx Variant Classification Process June 2021. Collection method: clinical testing. Allele origin: germline.
Comment: In silico analysis indicates that this missense variant does not alter protein structure/function; This variant is associated with the following publications: (PMID: 36315513, 29684080)

Ambry Genetics
Classification: Benign for Hereditary cancer-predisposing syndrome. Last evaluated: 2024-07-08. Review status: criteria provided, single submitter. Criteria: Ambry Variant Classification Scheme 2023. Collection method: clinical testing. Allele origin: germline.

Sema4
Classification: Likely benign for Hereditary cancer-predisposing syndrome. Last evaluated: 2021-12-14. Review status: criteria provided, single submitter. Criteria: Sema4 Curation Guidelines. Collection method: curation. Allele origin: germline.

Blueprint Genetics
Classification: Likely benign. Last evaluated: 2021-08-27. Review status: criteria provided, single submitter. Criteria: ACMG Guidelines, 2015. Collection method: clinical testing. Allele origin: germline.

Illumina Laboratory Services, Illumina
Classification: Likely benign for Neuroblastoma, susceptibility to, 3. Last evaluated: 2017-04-28. Review status: criteria provided, single submitter. Criteria: ICSL Variant Classification Criteria 13 December 2019. Collection method: clinical testing. Allele origin: germline.
Comment: This variant was observed as part of a predisposition screen in an ostensibly healthy population. A literature search was performed for the gene, cDNA change, and amino acid change (where applicable). No publications were found based on this search. Allele frequency data from public databases allowed determination this variant is unlikely to cause disease. Therefore, this variant is classified as likely benign.